The following is an entry in ClinVar:

NM_003719.5(PDE8B):c.2274C>T (p.Cys758=)

Gene: PDE8B (phosphodiesterase 8B; plus strand). Cytogenetic location: 5q13.3.
Variant type: single nucleotide variant.
Coding change: c.2274C>T on transcript NM_003719.5 (MANE Select); coding-DNA position 2274, C replaced by T.
Protein change: p.Cys758=; no amino-acid change (cysteine 758 retained).
Molecular consequence: synonymous variant.
Genome position (GRCh38, 1-based): chr5:77,421,844, C>T. VCF-style: chr5-77421844-C-T. GRCh37 (hg19) VCF-style: chr5-76717669-C-T.
Other names: c.1983C>T, p.Cys661= (NM_001029851.4); c.2109C>T, p.Cys703= (NM_001029852.4); c.2214C>T, p.Cys738= (NM_001029853.4); c.2133C>T, p.Cys711= (NM_001029854.4); c.2271C>T, p.Cys757= (NM_001349748.3, NM_001349751.3); c.2337C>T, p.Cys779= (NM_001349749.3); c.2034C>T, p.Cys678= (NM_001349750.3); c.1968C>T, p.Cys656= (NM_001349752.3); and 12 more.
Identifiers: ClinVar variation 354172 (VCV000354172.17), dbSNP rs116781254, ClinGen allele CA3315476.

ClinVar aggregate classification (germline): Benign/Likely benign. Review status: criteria provided, multiple submitters, no conflicts (2 of 4 stars). 4 submissions from 4 submitters: Benign (3); Likely benign (1). Last evaluated 2025-11-29.

Conditions:
Autosomal dominant striatal neurodegeneration type 1. Identifiers: Orphanet 228169, MedGen C4310808, MONDO:0012205, OMIM 609161.

Allele frequency attached by ClinVar (database versions not stated): gnomAD exomes 0.00038 and 0.00088; ExAC 0.00091; gnomAD 0.00300 and 0.00318; ESP Exome Variant Server 0.00338; TOPMed 0.00345; 1000 Genomes Project 30x 0.00375; 1000 Genomes Project 0.00399.
gnomAD v4.1: 1,033 of 1,614,104 alleles (0.064%); highest among the groups gnomAD compares: African/African-American, 1.2%; 1 homozygote.

Submissions (6):

Labcorp Genetics (formerly Invitae), Labcorp
Classification: Benign. Last evaluated: 2025-11-29. Review status: criteria provided, single submitter. Criteria: Invitae Variant Classification Sherloc (09022015). Collection method: clinical testing. Allele origin: germline.

Blueprint Genetics
Classification: Likely benign. Last evaluated: 2024-11-26. Review status: criteria provided, single submitter. Criteria: ACMG Guidelines, 2015. Collection method: clinical testing. Allele origin: germline.

Illumina Laboratory Services, Illumina
Classification: Benign for Autosomal dominant striatal neurodegeneration type 1. Last evaluated: 2018-01-13. Review status: criteria provided, single submitter. Criteria: ICSL Variant Classification Criteria 13 December 2019. Collection method: clinical testing. Allele origin: germline.
Comment: This variant was observed in the ICSL laboratory as part of a predisposition screen in an ostensibly healthy population. It had not been previously curated by ICSL or reported in the Human Gene Mutation Database (HGMD: prior to June 1st, 2018), and was therefore a candidate for classification through an automated scoring system. Utilizing variant allele frequency, disease prevalence and penetrance estimates, and inheritance mode, an automated score was calculated to assess if this variant is too frequent to cause the disease. Based on the score and internal cut-off values, a variant classified as benign is not then subjected to further curation. The score for this variant resulted in a classification of benign for this disease.

Breakthrough Genomics
Classification: Benign. Review status: criteria provided, single submitter. Criteria: ACMG Guidelines, 2015. Collection method: not provided. Allele origin: germline. Inheritance: Autosomal dominant inheritance. Affected: yes.

Dr. Peter K. Rogan Lab, Western University
No classification provided (evidence only). Condition: Acute myeloid leukemia. Review status: no classification provided. Collection method: in vitro. Allele origin: not applicable. Functional consequence: retained intron. Not counted in ClinVar's aggregate classification.

Dr. Peter K. Rogan Lab, Western University
No classification provided (evidence only). Condition: Nonpapillary renal cell carcinoma. Review status: no classification provided. Collection method: in vitro. Allele origin: not applicable. Functional consequence: retained intron. Not counted in ClinVar's aggregate classification.